The following is an entry in ClinVar:

NM_015662.3(IFT172):c.1931C>A (p.Ala644Glu)

Gene: IFT172 (intraflagellar transport 172; minus strand). Cytogenetic location: 2p23.3.
Variant type: single nucleotide variant.
Coding change: c.1931C>A on transcript NM_015662.3 (MANE Select); coding-DNA position 1931, C replaced by A.
Protein change: p.Ala644Glu; replaces alanine 644 with glutamic acid.
Molecular consequence: missense variant.
Genome position (GRCh38, 1-based): chr2:27,465,417, G>T on the plus strand (C>A on the coding strand, the complement: IFT172 is on the minus strand). VCF-style: chr2-27465417-G-T. GRCh37 (hg19) VCF-style: chr2-27688284-G-T.
Other names: c.1931C>A (NM_015662.2); short protein forms A644E.
Identifiers: ClinVar variation 1003563 (VCV001003563.12), dbSNP rs371919234, ClinGen allele CA1580492.
Genomic context (GRCh38, chr2:27,465,417, plus strand): 5'-ATGTGATTATCCCTCCTAGCTGCGTGGCACCTCTGTTCTACATGTCTACCTCACCTCTCC[G>T]CAATGTGTAGTTGCCTTGCCTCTAGTGCCAGTTTACTCAAGGTTTTCCACATTGCCTCTG-3'
Protein context (NP_056477.1, residues 634-654): LALEARQLHI[Ala644Glu]ERCFSALGQV

ClinVar aggregate classification (germline): Uncertain significance. Review status: criteria provided, multiple submitters, no conflicts (2 of 4 stars). 4 submissions from 4 submitters: Uncertain significance (4). Last evaluated 2025-03-21.

Conditions:
Retinitis pigmentosa 71 (RP71). Identifiers: Orphanet 791, MedGen C4225342, MONDO:0014618, OMIM 616394.
Short-rib thoracic dysplasia 10 with or without polydactyly (SRTD10). Identifiers: Orphanet 474, MedGen C3810175, MONDO:0014284, OMIM 615630.
IFT172-related disorder. Also called: IFT172-related condition; IFT172-related disorders.
Bardet-Biedl syndrome 20. Identifiers: MedGen C4310707, MONDO:0023670, OMIM 619471, MONDO:0014926.

Allele frequency attached by ClinVar (database versions not stated): TOPMed 0.00005; ESP Exome Variant Server 0.00008.
gnomAD v4.1: 43 of 1,613,422 alleles (0.0027%); highest among the groups gnomAD compares: Non-Finnish European, 0.0035%; no homozygotes.

Submissions (4):

PreventionGenetics, part of Exact Sciences
Classification: Uncertain significance for IFT172-related condition. Last evaluated: 2025-03-21. Review status: criteria provided, single submitter. Criteria: ACMG Guidelines, 2015. Collection method: clinical testing. Allele origin: germline.
Comment: The IFT172 c.1931C>A variant is predicted to result in the amino acid substitution p.Ala644Glu. This variant was previously reported, along with a second variant in the same gene, in a patient with retinitis pigmentosa (Supplemental Table S1, Stone et al. 2017. PubMed ID: 28559085). This variant is reported in 0.00088% of alleles in individuals of European (Non-Finnish) descent in gnomAD. Although we suspect that this variant may be pathogenic, at this time, the clinical significance of this variant is uncertain due to the absence of conclusive functional and genetic evidence.

Labcorp Genetics (formerly Invitae), Labcorp
Classification: Uncertain significance for Retinitis pigmentosa 71; Short-rib thoracic dysplasia 10 with or without polydactyly. Last evaluated: 2022-05-10. Review status: criteria provided, single submitter. Criteria: Invitae Variant Classification Sherloc (09022015). Collection method: clinical testing. Allele origin: germline.
Comment: This sequence change replaces alanine, which is neutral and non-polar, with glutamic acid, which is acidic and polar, at codon 644 of the IFT172 protein (p.Ala644Glu). This variant is present in population databases (rs371919234, gnomAD 0.002%). This missense change has been observed in individual(s) with retinitis pigmentosa (PMID: 28559085). ClinVar contains an entry for this variant (Variation ID: 1003563). Algorithms developed to predict the effect of missense changes on protein structure and function are either unavailable or do not agree on the potential impact of this missense change (SIFT: "Deleterious"; PolyPhen-2: "Probably Damaging"; Align-GVGD: "Class C0"). In summary, the available evidence is currently insufficient to determine the role of this variant in disease. Therefore, it has been classified as a Variant of Uncertain Significance.

Fulgent Genetics
Classification: Uncertain significance for Short-rib thoracic dysplasia 10 with or without polydactyly; Retinitis pigmentosa 71; Bardet-Biedl syndrome 20. Last evaluated: 2022-03-25. Review status: criteria provided, single submitter. Criteria: ACMG Guidelines, 2015. Collection method: clinical testing. Allele origin: unknown.

Blueprint Genetics
Classification: Uncertain significance. Last evaluated: 2022-02-18. Review status: criteria provided, single submitter. Criteria: ACMG Guidelines, 2015. Collection method: clinical testing. Allele origin: germline.

Literature cited by the submitters: PubMed 28559085 (cited by Labcorp Genetics (formerly Invitae), Labcorp).